The following is an entry in ClinVar:

NM_012330.4(KAT6B):c.354T>C (p.Leu118=)

Gene: KAT6B (lysine acetyltransferase 6B; plus strand). Cytogenetic location: 10q22.2.
Variant type: single nucleotide variant.
Coding change: c.354T>C on transcript NM_012330.4 (MANE Select); coding-DNA position 354, T replaced by C.
Protein change: p.Leu118=; no amino-acid change (leucine 118 retained).
Molecular consequence: synonymous variant. On other transcripts: 5 prime UTR variant (2).
Genome position (GRCh38, 1-based): chr10:74,843,211, T>C. VCF-style: chr10-74843211-T-C. GRCh37 (hg19) VCF-style: chr10-76602969-T-C.
Other names: c.354T>C, p.Leu118= (NM_001256468.2, NM_001256469.2, NM_001370132.1 and 10 more transcripts); c.-185T>C (NM_001370134.1, NM_001370135.1).
Identifiers: ClinVar variation 1602981 (VCV001602981.10), dbSNP rs147013911, ClinGen allele CA5564200.

ClinVar aggregate classification (germline): Likely benign. Review status: criteria provided, multiple submitters, no conflicts (2 of 4 stars). 2 submissions from 2 submitters: Likely benign (2). Last evaluated 2026-06-01.

Conditions:
Genitopatellar syndrome (GTPTS). Also called: Genitopatellar syndrome (GPS); ABSENT PATELLAE, SCROTAL HYPOPLASIA, RENAL ANOMALIES, FACIAL DYSMORPHISM, AND MENTAL RETARDATION. Identifiers: Orphanet 85201, MedGen C1853566, MONDO:0011640, OMIM 606170.

Allele frequency attached by ClinVar (database versions not stated): gnomAD 0.00005 and 0.00006; TOPMed 0.00005; ExAC 0.00007; gnomAD exomes 0.00008 and 0.00010; ESP Exome Variant Server 0.00023.
gnomAD v4.1: 157 of 1,614,096 alleles (0.0097%); highest among the groups gnomAD compares: Non-Finnish European, 0.012%; no homozygotes.

Submissions (2):

CeGaT Center for Human Genetics Tuebingen
Classification: Likely benign. Last evaluated: 2026-06-01. Review status: criteria provided, single submitter. Criteria: CeGaT Center For Human Genetics Tuebingen Variant Classification Criteria Version 2. Collection method: clinical testing. Allele origin: germline. Affected: yes. Observed: 1 variant allele.
Comment: KAT6B: BP4, BP7

Labcorp Genetics (formerly Invitae), Labcorp
Classification: Likely benign for Genitopatellar syndrome. Last evaluated: 2025-11-03. Review status: criteria provided, single submitter. Criteria: Invitae Variant Classification Sherloc (09022015). Collection method: clinical testing. Allele origin: germline.